The following is an entry in ClinVar:

NM_020745.4(AARS2):c.2871= (p.Ser957=)

Gene: AARS2 (alanyl-tRNA synthetase 2, mitochondrial; minus strand). Cytogenetic location: 6p21.1.
Variant type: single nucleotide variant.
Coding change: c.2871= on transcript NM_020745.4 (MANE Select); coding-DNA position 2871, no change from the reference sequence.
Protein change: p.Ser957=; no amino-acid change (serine 957 retained).
Molecular consequence: no sequence alteration.
Genome position: GRCh38 VCF-style: chr6-44300634-T-T. GRCh37 (hg19) VCF-style: chr6-44268371-T-T.
Other names: p.S957S:TCG>TCA.
Identifiers: ClinVar variation 136221 (VCV000136221.1), dbSNP rs325008.

ClinVar aggregate classification (germline): Benign (1 of 4 stars; one submission).

Allele frequency attached by ClinVar (database versions not stated): gnomAD exomes 0.03698 and 0.05150; ExAC 0.05740; gnomAD 0.11498 and 0.12070; TOPMed 0.12863; ESP Exome Variant Server 0.12886; 1000 Genomes Project 0.13059; 1000 Genomes Project 30x 0.13585.

Submission:

GeneDx
Classification: Benign. Last evaluated: 2012-04-11. Review status: criteria provided, single submitter. Criteria: GeneDx Variant Classification (06012015). Collection method: clinical testing. Allele origin: germline. Affected: yes.
Comment: This variant is considered likely benign or benign based on one or more of the following criteria: it is a conservative change, it occurs at a poorly conserved position in the protein, it is predicted to be benign by multiple in silico algorithms, and/or has population frequency not consistent with disease.